The following is an entry in ClinVar:

NM_057175.5(NAA15):c.2075T>C (p.Leu692Pro)

Gene: NAA15 (N-alpha-acetyltransferase 15, NatA auxiliary subunit; plus strand). Cytogenetic location: 4q31.1.
Variant type: single nucleotide variant.
Coding change: c.2075T>C on transcript NM_057175.5 (MANE Select); coding-DNA position 2075, T replaced by C.
Protein change: p.Leu692Pro; replaces leucine 692 with proline.
Molecular consequence: missense variant.
Genome position (GRCh38, 1-based): chr4:139,378,774, T>C. VCF-style: chr4-139378774-T-C. GRCh37 (hg19) VCF-style: chr4-140299928-T-C.
Other names: c.2075T>C, p.Leu692Pro (NM_001410842.1); short protein forms L692P.
Identifiers: ClinVar variation 4686903 (VCV004686903.1).

ClinVar aggregate classification (germline): Uncertain significance (1 of 4 stars; one submission).

gnomAD v4.1: 1 of 1,560,208 alleles (0.000064%); highest among the groups gnomAD compares: Non-Finnish European, 0.000086%; no homozygotes.

Submission:

GeneDx
Classification: Uncertain significance. Last evaluated: 2025-07-23. Review status: criteria provided, single submitter. Criteria: GeneDx Variant Classification Process June 2021. Collection method: clinical testing. Allele origin: germline. Affected: yes.
Comment: Not observed at significant frequency in large population cohorts (gnomAD); In silico analysis supports that this missense variant has a deleterious effect on protein structure/function; Has not been previously published as pathogenic or benign to our knowledge